The following is an entry in ClinVar:

ClinVar aggregate classification (germline): Pathogenic. Review status: reviewed by expert panel (3 of 4 stars). 3 submissions from 3 submitters: Pathogenic (1). 2 of the submissions do not count toward it. Last evaluated 2024-04-18.

Conditions:
CDKL5 disorder. Identifiers: MedGen CN296942, MONDO:0100039.
Atypical Rett syndrome. Also called: Variant Rett Syndrome; Rett like syndrome. Identifiers: Orphanet 3095, MedGen C2748910, MONDO:0017746.

Submissions (3):

ClinGen Rett and Angelman-like Disorders Variant Curation Expert Panel
Classification: Pathogenic for CDKL5 disorder. Last evaluated: 2024-04-18. Review status: reviewed by expert panel. Criteria: ClinGen RettAS ACMG Specifications CDKL5 V3.0.0. Collection method: curation. Allele origin: germline. Inheritance: X-linked inheritance.
Comment: The c.1311dup variant in CDKL5 is predicted to cause a premature stop codon that leads to a truncated or absent protein in a gene where loss-of-function is an established mechanism. There is significant evidence that loss of this region of the gene is pathogenic (PVS1). The c.1311dup variant in CDKL5 has been reported as a de novo occurrence (biological parentage unconfirmed) in an individual with early onset seizures and infantile spasms (PMID 19793311) (PM6). The c.1311dup variant in CDKL5 is absent from gnomAD v2.1.1 (PM2_supporting). In summary, the c.1311dup variant in CDKL5 is classified as pathogenic for a CDKL5-related disorder based on the ACMG/AMP criteria (PVS1, PM6, PM2_supporting).

Centre for Population Genomics, CPG
Classification: Pathogenic for CDKL5 disorder. Last evaluated: 2024-09-13. Review status: criteria provided, single submitter. Criteria: McKnight et al. (Hum Mutat. 2022). Collection method: curation. Allele origin: germline. Inheritance: X-linked inheritance. Not counted in ClinVar's aggregate classification.
Comment: This variant has been collected from RettBASE and curated to current modified ACMG/AMP criteria. Based on the classification scheme defined by the ClinGen Rett/Angelman-like Expert Panel for Rett/AS-like Disorders Specifications to the ACMG/AMP Variant Interpretation Guidelines VCEP 3.0, this variant is classified as pathogenic. At least the following criteria are met: Predicted to result in loss of function, and LOF is a known mechanism of disease (PVS1). This variant has been identified as a de novo occurrence in an individual with CDKL5 disorder without confirmation of paternity and maternity (PM6, PMID: 19793311). This variant is absent from gnomAD (PM2_Supporting).

RettBASE
Classification: Pathogenic for Atypical Rett syndrome. Last evaluated: 2014-03-13. Review status: no assertion criteria provided. Collection method: curation. Allele origin: de novo. Affected: yes. Observed: 2 variant alleles. Not counted in ClinVar's aggregate classification.

Literature cited by the submitters: PubMed 18790821 (cited by RettBASE); PubMed 19793311 (cited by RettBASE).

NM_001323289.2(CDKL5):c.1311dup (p.Ser438fs)

Gene: CDKL5 (cyclin dependent kinase like 5; plus strand). Cytogenetic location: Xp22.13.
Variant type: Duplication.
Coding change: c.1311dup on transcript NM_001323289.2 (MANE Select); coding-DNA position 1311, one base duplicated (C; older notation c.1311dupC).
Protein change: p.Ser438fs; shifts the reading frame from serine 438.
Molecular consequence: frameshift variant.
Genome position (GRCh38, 1-based): chrX:18,604,235, C duplicated. VCF-style (leftmost placement, unchanged base first): chrX-18604234-A-AC. GRCh37 (hg19) VCF-style: chrX-18622354-A-AC.
Other names: NM_001323289.2(CDKL5):c.1311dup; p.Ser438fs; c.1311dup, p.Ser438fs (NM_001037343.2, NM_003159.3); c.1311dupC (NM_003159.2); short protein forms S438fs.
Identifiers: ClinVar variation 143774 (VCV000143774.5), dbSNP rs267608623, ClinGen allele CA170444.
Genomic context (GRCh38, chrX:18,604,234, plus strand): 5'-TTGATTTTAATATTGACCCAAAGCCTTCAGAAGGCCCAGGGACAAAGTACCTCAAGTCAA[A>AC]CAGCAGATCTCAGCAGAACCGCCACTCATTCATGGAAAGCTCTCAAAGCAAAGCTGGGAC-3'